The following is an entry in ClinVar:

NM_178857.6(RP1L1):c.6993G>A (p.Thr2331=)

Gene: RP1L1 (RP1 like 1). Cytogenetic location: 8p23.1.
Variant type: single nucleotide variant.
Coding change: c.6993G>A on transcript NM_178857.6 (MANE Select); coding-DNA position 6993, G replaced by A.
Protein change: p.Thr2331=; no amino-acid change (threonine 2331 retained).
Molecular consequence: synonymous variant.
Genome position (GRCh38, 1-based): chr8:10,607,105, C>T on the plus strand (G>A on the coding strand, the complement: RP1L1 is on the minus strand). VCF-style: chr8-10607105-C-T. GRCh37 (hg19) VCF-style: chr8-10464615-C-T.
Identifiers: ClinVar variation 361206 (VCV000361206.25), dbSNP rs533478971, ClinGen allele CA4623107.

ClinVar aggregate classification (germline): Benign/Likely benign. Review status: criteria provided, multiple submitters, no conflicts (2 of 4 stars). 4 submissions from 4 submitters: Benign (2); Likely benign (2). Last evaluated 2025-12-01.

Conditions:
Occult macular dystrophy (OCMD). Also called: OMD; OCCULT MACULAR DYSTROPHY, SUSCEPTIBILITY TO. Identifiers: Orphanet 247834, MedGen C3150833, MONDO:0013316, OMIM 613587, HP:0030636.

Allele frequency attached by ClinVar (database versions not stated): gnomAD 0.00001 and 0.00008; TOPMed 0.00003; 1000 Genomes Project 30x 0.00062; 1000 Genomes Project 0.00080.
gnomAD v4.1: 299 of 1,614,212 alleles (0.019%); highest among the groups gnomAD compares: South Asian, 0.25%; 3 homozygotes.

Submissions (4):

CeGaT Center for Human Genetics Tuebingen
Classification: Likely benign. Last evaluated: 2025-12-01. Review status: criteria provided, single submitter. Criteria: CeGaT Center For Human Genetics Tuebingen Variant Classification Criteria Version 2. Collection method: clinical testing. Allele origin: germline. Affected: yes. Observed: 3 variant alleles.
Comment: RP1L1: BP4, BP7

Blueprint Genetics
Classification: Likely benign. Last evaluated: 2024-11-26. Review status: criteria provided, single submitter. Criteria: ACMG Guidelines, 2015. Collection method: clinical testing. Allele origin: germline.

Illumina Laboratory Services, Illumina
Classification: Benign for Occult macular dystrophy. Last evaluated: 2018-01-13. Review status: criteria provided, single submitter. Criteria: ICSL Variant Classification Criteria 13 December 2019. Collection method: clinical testing. Allele origin: germline.
Comment: This variant was observed in the ICSL laboratory as part of a predisposition screen in an ostensibly healthy population. It had not been previously curated by ICSL or reported in the Human Gene Mutation Database (HGMD: prior to June 1st, 2018), and was therefore a candidate for classification through an automated scoring system. Utilizing variant allele frequency, disease prevalence and penetrance estimates, and inheritance mode, an automated score was calculated to assess if this variant is too frequent to cause the disease. Based on the score and internal cut-off values, a variant classified as benign is not then subjected to further curation. The score for this variant resulted in a classification of benign for this disease.

Breakthrough Genomics
Classification: Benign. Review status: criteria provided, single submitter. Criteria: ACMG Guidelines, 2015. Collection method: not provided. Allele origin: germline. Inheritance: Autosomal recessive inheritance. Affected: yes.